The following is an entry in ClinVar:

ClinVar aggregate classification (germline): Uncertain significance (0 of 4 stars; one submission).

Conditions:
CEP290-related disorder. Also called: CEP290-related condition; CEP290-related disorders. Identifiers: MedGen CN239314.

gnomAD v4.1: 2 of 1,460,370 alleles (0.00014%); highest among the groups gnomAD compares: African/African-American, 0.0015%; no homozygotes.

Submission:

PreventionGenetics, part of Exact Sciences
Classification: Uncertain significance for CEP290-related condition. Last evaluated: 2024-06-18. Review status: no assertion criteria provided. Collection method: clinical testing. Allele origin: germline.
Comment: The CEP290 c.694A>G variant is predicted to result in the amino acid substitution p.Ile232Val. To our knowledge, this variant has not been reported in the literature or in a large population database, indicating this variant is rare. At this time, the clinical significance of this variant is uncertain due to the absence of conclusive functional and genetic evidence.

NM_025114.4(CEP290):c.694A>G (p.Ile232Val)

Gene: CEP290 (centrosomal protein 290; minus strand). Cytogenetic location: 12q21.32.
Variant type: single nucleotide variant.
Coding change: c.694A>G on transcript NM_025114.4 (MANE Select); coding-DNA position 694, A replaced by G.
Protein change: p.Ile232Val; replaces isoleucine 232 with valine.
Molecular consequence: missense variant.
Genome position (GRCh38, 1-based): chr12:88,129,852, T>C on the plus strand (A>G on the coding strand, the complement: CEP290 is on the minus strand). VCF-style: chr12-88129852-T-C. GRCh37 (hg19) VCF-style: chr12-88523629-T-C.
Other names: short protein forms I232V.
Identifiers: ClinVar variation 3351311 (VCV003351311.1).